The following is an entry in ClinVar:

NM_032119.4(ADGRV1):c.13545A>C (p.Gly4515=)

Gene: ADGRV1 (adhesion G protein-coupled receptor V1; plus strand). Cytogenetic location: 5q14.3.
Variant type: single nucleotide variant.
Coding change: c.13545A>C on transcript NM_032119.4 (MANE Select); coding-DNA position 13545, A replaced by C.
Protein change: p.Gly4515=; no amino-acid change (glycine 4515 retained).
Molecular consequence: synonymous variant. On other transcripts: non-coding transcript variant (1).
Genome position (GRCh38, 1-based): chr5:90,783,949, A>C. VCF-style: chr5-90783949-A-C. GRCh37 (hg19) VCF-style: chr5-90079766-A-C.
Other names: c.13545A>C (NM_032119.3).
Identifiers: ClinVar variation 2997061 (VCV002997061.5), dbSNP rs755055688, ClinGen allele CA3341549.

ClinVar aggregate classification (germline): Benign/Likely benign. Review status: criteria provided, multiple submitters, no conflicts (2 of 4 stars). 3 submissions from 3 submitters: Benign (1); Likely benign (2). Last evaluated 2024-12-18.

Conditions:
ADGRV1-related disorder. Also called: ADGRV1-related condition; ADGRV1-related disorders.

Allele frequency attached by ClinVar (database versions not stated): gnomAD 0.00001; ExAC 0.00004.
gnomAD v4.1: 13 of 1,612,106 alleles (0.00081%); highest among the groups gnomAD compares: East Asian, 0.025%; no homozygotes.

Submissions (3):

PreventionGenetics, part of Exact Sciences
Classification: Likely benign for ADGRV1-related condition. Last evaluated: 2024-12-18. Review status: criteria provided, single submitter. Criteria: ACMG Guidelines, 2015. Collection method: clinical testing. Allele origin: germline.
Comment: This variant is classified as likely benign based on ACMG/AMP sequence variant interpretation guidelines (Richards et al. 2015 PMID: 25741868, with internal and published modifications).

Labcorp Genetics (formerly Invitae), Labcorp
Classification: Benign. Last evaluated: 2024-01-27. Review status: criteria provided, single submitter. Criteria: Invitae Variant Classification Sherloc (09022015). Collection method: clinical testing. Allele origin: germline.

Blueprint Genetics
Classification: Likely benign. Last evaluated: 2020-06-30. Review status: criteria provided, single submitter. Criteria: ACMG Guidelines, 2015. Collection method: clinical testing. Allele origin: germline.